The following is an entry in ClinVar:

ClinVar aggregate classification (germline): Uncertain significance (1 of 4 stars; one submission).

Conditions:
Developmental and epileptic encephalopathy, 54. Also called: HNRNPU-Related Neurodevelopmental Disorder; Epileptic encephalopathy, early infantile, 54. Identifiers: MedGen C4479319, MONDO:0033363, OMIM 617391.

Submission:

Labcorp Genetics (formerly Invitae), Labcorp
Classification: Uncertain significance for Developmental and epileptic encephalopathy, 54. Last evaluated: 2020-01-15. Review status: criteria provided, single submitter. Criteria: Invitae Variant Classification Sherloc (09022015). Collection method: clinical testing. Allele origin: germline.
Comment: This variant is not present in population databases (ExAC no frequency). This sequence change replaces glycine with aspartic acid at codon 101 of the HNRNPU protein (p.Gly101Asp). The glycine residue is weakly conserved and there is a moderate physicochemical difference between glycine and aspartic acid. This variant has not been reported in the literature in individuals with HNRNPU-related conditions. Algorithms developed to predict the effect of missense changes on protein structure and function are either unavailable or do not agree on the potential impact of this missense change (SIFT: "Deleterious"; PolyPhen-2: "Probably Damaging"; Align-GVGD: "Class C0"). In summary, the available evidence is currently insufficient to determine the role of this variant in disease. Therefore, it has been classified as a Variant of Uncertain Significance.

NM_031844.3(HNRNPU):c.302G>A (p.Gly101Asp)

Gene: HNRNPU (heterogeneous nuclear ribonucleoprotein U; minus strand). Cytogenetic location: 1q44.
Variant type: single nucleotide variant.
Coding change: c.302G>A on transcript NM_031844.3 (MANE Select); coding-DNA position 302, G replaced by A.
Protein change: p.Gly101Asp; replaces glycine 101 with aspartic acid.
Molecular consequence: missense variant.
Genome position (GRCh38, 1-based): chr1:244,864,006, C>T on the plus strand (G>A on the coding strand, the complement: HNRNPU is on the minus strand). VCF-style: chr1-244864006-C-T. GRCh37 (hg19) VCF-style: chr1-245027308-C-T.
Other names: c.302G>A, p.Gly101Asp (NM_004501.3); short protein forms G101D.
Identifiers: ClinVar variation 1035373 (VCV001035373.47), dbSNP rs1680930913, ClinGen allele CA345497424.